The following is an entry in ClinVar:

NM_002437.4(MPV17):c.284delG

Gene: MPV17 (mitochondrial inner membrane protein MPV17; minus strand). Cytogenetic location: 2p23.3.
Variant type: Deletion.
Coding change: c.284delG on transcript NM_002437.4; coding-DNA position 284, one base deleted (G).
Genome position (GRCh38, 1-based): chr2:27,312,585, C deleted on the plus strand (G on the coding strand, the reverse complement: MPV17 is on the minus strand); the first of 6 consecutive C bases (chr2:27,312,585-27,312,590); deleting any one gives the same sequence. VCF-style (leftmost placement, unchanged base first): chr2-27312584-GC-G. GRCh37 (hg19) VCF-style: chr2-27535451-GC-G.
Identifiers: ClinVar variation 2203028 (VCV002203028.5), dbSNP rs766160589, ClinGen allele CA916497506.

ClinVar aggregate classification (germline): Pathogenic/Likely pathogenic. Review status: criteria provided, multiple submitters, no conflicts (2 of 4 stars). 2 submissions from 2 submitters: Pathogenic (1); Likely pathogenic (1). Last evaluated 2024-03-20.

Conditions:
Mitochondrial DNA depletion syndrome, hepatocerebral form. Identifiers: Orphanet 254871, MedGen C3711385, MONDO:0100512.

Submissions (2):

Natera, Inc.
Classification: Likely pathogenic for Mitochondrial DNA depletion syndrome, hepatocerebral form. Last evaluated: 2024-03-20. Review status: criteria provided, single submitter. Criteria: Natera Variant Classification Schema (03/2026). Collection method: clinical testing. Allele origin: germline.
Comment: The c.284delG variant in MPV17 is a frameshift variant predicted to shift the reading frame beginning at codon 95 and leads to a stop codon 7 codons downstream. This variant is expected to result in nonsense mediated decay, truncation, or a dysfunctional protein product. This variant is rare in the general population with a frequency below the threshold expected for the associated phenotype(s). Given the available evidence, this variant is classified as Likely Pathogenic.

Labcorp Genetics (formerly Invitae), Labcorp
Classification: Pathogenic. Last evaluated: 2022-06-11. Review status: criteria provided, single submitter. Criteria: Invitae Variant Classification Sherloc (09022015). Collection method: clinical testing. Allele origin: germline.
Comment: For these reasons, this variant has been classified as Pathogenic. This premature translational stop signal has been observed in individual(s) with mitochondrial DNA depletion syndrome (PMID: 19748572). This variant is not present in population databases (gnomAD no frequency). This sequence change creates a premature translational stop signal (p.Gly95Alafs*7) in the MPV17 gene. It is expected to result in an absent or disrupted protein product. Loss-of-function variants in MPV17 are known to be pathogenic (PMID: 23714749).

Literature cited by the submitters: PubMed 19748572 (cited by Labcorp Genetics (formerly Invitae), Labcorp); PubMed 23714749 (cited by Labcorp Genetics (formerly Invitae), Labcorp).